The following is an entry in ClinVar:

NM_001853.4(COL9A3):c.1700C>T (p.Pro567Leu)

Gene: COL9A3 (collagen type IX alpha 3 chain; plus strand). Cytogenetic location: 20q13.33.
Variant type: single nucleotide variant.
Coding change: c.1700C>T on transcript NM_001853.4 (MANE Select); coding-DNA position 1700, C replaced by T.
Protein change: p.Pro567Leu; replaces proline 567 with leucine.
Molecular consequence: missense variant.
Genome position (GRCh38, 1-based): chr20:62,837,179, C>T. VCF-style: chr20-62837179-C-T. GRCh37 (hg19) VCF-style: chr20-61468531-C-T.
Other names: c.1700C>T (NM_001853.3); short protein forms P567L.
Identifiers: ClinVar variation 2822072 (VCV002822072.4), dbSNP rs748114912, ClinGen allele CA409599361.
Genomic context (GRCh38, chr20:62,837,179, plus strand): 5'-CTTTGGCACCCGGGTCCATTGGTCGGCCCGGTCCAGCTGGCCCCCCTGGGCCCCCAGGAC[C>T]CCCAGGCTCCATTGGTCACCCTGGCGCTCGAGGACCCCCTGGATACCGCGGTCCCACTGG-3'
Protein context (NP_001844.3, residues 557-577): GPAGPPGPPG[Pro567Leu]PGSIGHPGAR

ClinVar aggregate classification (germline): Uncertain significance. Review status: criteria provided, multiple submitters, no conflicts (2 of 4 stars). 2 submissions from 2 submitters: Uncertain significance (2). Last evaluated 2025-03-04.

Conditions:
Inborn genetic diseases. Identifiers: MedGen C0950123, MeSH D030342.

Allele frequency attached by ClinVar (database versions not stated): gnomAD 0.00001; TOPMed 0.00001.
gnomAD v4.1: 1 of 1,612,782 alleles (0.000062%); highest among the groups gnomAD compares: Non-Finnish European, 0.000085%; no homozygotes.

Submissions (2):

Ambry Genetics
Classification: Uncertain significance for Inborn genetic diseases. Last evaluated: 2025-03-04. Review status: criteria provided, single submitter. Criteria: Ambry Variant Classification Scheme 2023. Collection method: clinical testing. Allele origin: germline.

Labcorp Genetics (formerly Invitae), Labcorp
Classification: Uncertain significance. Last evaluated: 2022-12-18. Review status: criteria provided, single submitter. Criteria: Invitae Variant Classification Sherloc (09022015). Collection method: clinical testing. Allele origin: germline.
Comment: In summary, the available evidence is currently insufficient to determine the role of this variant in disease. Therefore, it has been classified as a Variant of Uncertain Significance. Advanced modeling of protein sequence and biophysical properties (such as structural, functional, and spatial information, amino acid conservation, physicochemical variation, residue mobility, and thermodynamic stability) performed at Invitae indicates that this missense variant is not expected to disrupt COL9A3 protein function. This variant has not been reported in the literature in individuals affected with COL9A3-related conditions. This variant is present in population databases (no rsID available, gnomAD 0.007%). This sequence change replaces proline, which is neutral and non-polar, with leucine, which is neutral and non-polar, at codon 567 of the COL9A3 protein (p.Pro567Leu).